The following is an entry in ClinVar:

NM_014806.5(RUSC2):c.3250G>A (p.Val1084Ile)

Gene: RUSC2 (RUN and SH3 domain containing 2; plus strand). Cytogenetic location: 9p13.3.
Variant type: single nucleotide variant.
Coding change: c.3250G>A on transcript NM_014806.5 (MANE Select); coding-DNA position 3250, G replaced by A.
Protein change: p.Val1084Ile; replaces valine 1084 with isoleucine.
Molecular consequence: missense variant. On other transcripts: non-coding transcript variant (1).
Genome position (GRCh38, 1-based): chr9:35,558,476, G>A. VCF-style: chr9-35558476-G-A. GRCh37 (hg19) VCF-style: chr9-35558473-G-A.
Other names: c.3250G>A, p.Val1084Ile (NM_001135999.2); c.616G>A, p.Val206Ile (NM_001330740.2); short protein forms V206I, V1084I.
Identifiers: ClinVar variation 2171010 (VCV002171010.1), dbSNP rs772934908, ClinGen allele CA5044102.

ClinVar aggregate classification (germline): Uncertain significance (1 of 4 stars; one submission).

Allele frequency attached by ClinVar (database versions not stated): ExAC 0.00001; gnomAD 0.00001; gnomAD exomes 0.00001; TOPMed 0.00001.

Submission:

Labcorp Genetics (formerly Invitae), Labcorp
Classification: Uncertain significance. Last evaluated: 2022-04-12. Review status: criteria provided, single submitter. Criteria: Invitae Variant Classification Sherloc (09022015). Collection method: clinical testing. Allele origin: germline.
Comment: This sequence change replaces valine, which is neutral and non-polar, with isoleucine, which is neutral and non-polar, at codon 1084 of the RUSC2 protein (p.Val1084Ile). This variant is present in population databases (rs772934908, gnomAD 0.02%). This variant has not been reported in the literature in individuals affected with RUSC2-related conditions. Algorithms developed to predict the effect of missense changes on protein structure and function (SIFT, PolyPhen-2, Align-GVGD) all suggest that this variant is likely to be tolerated. In summary, the available evidence is currently insufficient to determine the role of this variant in disease. Therefore, it has been classified as a Variant of Uncertain Significance.